The following is an entry in ClinVar:

ClinVar aggregate classification (germline): Pathogenic (1 of 4 stars; one submission).

Conditions:
Combined immunodeficiency due to LRBA deficiency. Also called: Common variable immunodeficiency 8, with autoimmunity. Identifiers: Orphanet 445018, MedGen C3553512, MONDO:0013863, OMIM 614700.

Submission:

Labcorp Genetics (formerly Invitae), Labcorp
Classification: Pathogenic for Combined immunodeficiency due to LRBA deficiency. Last evaluated: 2022-10-01. Review status: criteria provided, single submitter. Criteria: Invitae Variant Classification Sherloc (09022015). Collection method: clinical testing. Allele origin: germline.
Comment: This sequence change creates a premature translational stop signal (p.Ser1584Lysfs*12) in the LRBA gene. It is expected to result in an absent or disrupted protein product. Loss-of-function variants in LRBA are known to be pathogenic (PMID: 26206937, 26768763). For these reasons, this variant has been classified as Pathogenic. This variant has not been reported in the literature in individuals affected with LRBA-related conditions. This variant is not present in population databases (gnomAD no frequency).

Literature cited by the submitters: PubMed 26206937; PubMed 26768763.

NM_001364905.1(LRBA):c.4750dup (p.Ser1584fs)

Gene: LRBA (LPS responsive beige-like anchor protein; minus strand). Cytogenetic location: 4q31.3.
Variant type: Duplication.
Coding change: c.4750dup on transcript NM_001364905.1 (MANE Select); coding-DNA position 4750, one base duplicated (A; older notation c.4750dupA).
Protein change: p.Ser1584fs; shifts the reading frame from serine 1584.
Molecular consequence: frameshift variant.
Genome position (GRCh38, 1-based): chr4:150,828,601, T duplicated on the plus strand (A on the coding strand, the reverse complement: LRBA is on the minus strand). VCF-style (leftmost placement, unchanged base first): chr4-150828600-C-CT. GRCh37 (hg19) VCF-style: chr4-151749752-C-CT.
Other names: c.4750dup, p.Ser1584Lysfs (NM_001199282.3, NM_006726.5); c.4750dup, p.Ser1584fs (NM_001367550.1); short protein forms S1584fs.
Identifiers: ClinVar variation 2018538 (VCV002018538.4), dbSNP rs2546423436, ClinGen allele CA2580071601.